The following is an entry in ClinVar:

NM_181486.4(TBX5):c.248T>G (p.Met83Arg)

Gene: TBX5 (T-box transcription factor 5; minus strand). Cytogenetic location: 12q24.21.
Variant type: single nucleotide variant.
Coding change: c.248T>G on transcript NM_181486.4 (MANE Select); coding-DNA position 248, T replaced by G.
Protein change: p.Met83Arg; replaces methionine 83 with arginine.
Molecular consequence: missense variant.
Genome position (GRCh38, 1-based): chr12:114,399,627, A>C on the plus strand (T>G on the coding strand, the complement: TBX5 is on the minus strand). VCF-style: chr12-114399627-A-C. GRCh37 (hg19) VCF-style: chr12-114837432-A-C.
Other names: c.248T>G, p.Met83Arg (NM_000192.3); c.98T>G, p.Met33Arg (NM_080717.4); short protein forms M33R, M83R.
Identifiers: ClinVar variation 3382822 (VCV003382822.2).

ClinVar aggregate classification (germline): Uncertain significance (1 of 4 stars; one submission).

Conditions:
Holt-Oram syndrome (HOS). Also called: TBX5-Related Holt-Oram Syndrome; Ventriculo-radial syndrome; Cardiac-limb syndrome; Heart-hand syndrome, type 1. Identifiers: Orphanet 392, MedGen C0265264, MONDO:0007732, OMIM 142900.

Submission:

Juno Genomics, Hangzhou Juno Genomics, Inc
Classification: Uncertain significance for Holt-Oram syndrome. Review status: criteria provided, single submitter. Criteria: ACMG Guidelines, 2015. Collection method: clinical testing. Allele origin: germline. Affected: yes.
Comment: Absent from controls (or at extremely low frequency if recessive) in Genome Aggregation Database, Exome Sequencing Project, 1000 Genomes Project, or Exome Aggregation Consortium.;Multiple lines of computational evidence support a deleterious effect on the gene or gene product (conservation, evolutionary, splicing impact, etc).;Patient's phenotype or family history is highly specific for a disease with a single genetic etiology.